The following is an entry in ClinVar:

ClinVar aggregate classification (germline): Conflicting classifications of pathogenicity. Review status: criteria provided, conflicting classifications (1 of 4 stars). 3 submissions from 3 submitters: Uncertain significance (2); Likely benign (1). Last evaluated 2026-01-28.

Conditions:
Hereditary cancer-predisposing syndrome. Also called: Tumor predisposition; Hereditary Cancer Syndrome; Hereditary neoplastic syndrome; Neoplastic Syndromes, Hereditary. Identifiers: Orphanet 140162, MedGen C0027672, MeSH D009386, MONDO:0015356.
Hereditary diffuse gastric adenocarcinoma (HDGC). Also called: DIFFUSE GASTRIC AND LOBULAR BREAST CANCER SYNDROME. Identifiers: Orphanet 26106, MedGen C1708349, MONDO:0007648, OMIM 137215.

Allele frequency attached by ClinVar (database versions not stated): gnomAD exomes below 0.00001.

Submissions (3):

Labcorp Genetics (formerly Invitae), Labcorp
Classification: Uncertain significance for Hereditary diffuse gastric adenocarcinoma. Last evaluated: 2026-01-28. Review status: criteria provided, single submitter. Criteria: Invitae Variant Classification Sherloc (09022015). Collection method: clinical testing. Allele origin: germline.
Comment: This sequence change replaces threonine, which is neutral and polar, with serine, which is neutral and polar, at codon 303 of the CDH1 protein (p.Thr303Ser). This variant is not present in population databases (gnomAD no frequency). This variant has not been reported in the literature in individuals affected with CDH1-related conditions. ClinVar contains an entry for this variant (Variation ID: 233939). An algorithm developed to predict the effect of missense changes on protein structure and function outputs the following: PolyPhen-2: "Benign". The serine amino acid residue is found in multiple mammalian species, which suggests that this missense change does not adversely affect protein function. In summary, the available evidence is currently insufficient to determine the role of this variant in disease. Therefore, it has been classified as a Variant of Uncertain Significance.

Color Diagnostics, LLC DBA Color Health
Classification: Uncertain significance for Hereditary cancer-predisposing syndrome. Last evaluated: 2024-09-25. Review status: criteria provided, single submitter. Criteria: ACMG Guidelines, 2015. Collection method: clinical testing. Allele origin: germline.
Comment: This missense variant replaces threonine with serine at codon 303 of the CDH1 protein. To our knowledge, functional studies have not been reported for this variant. This variant has not been reported in individuals affected with CDH1-related disorders in the literature. This variant has not been identified in the general population by the Genome Aggregation Database (gnomAD). The available evidence is insufficient to determine the role of this variant in disease conclusively. Therefore, this variant is classified as a Variant of Uncertain Significance.

Ambry Genetics
Classification: Likely benign for Hereditary cancer-predisposing syndrome. Last evaluated: 2018-09-19. Review status: criteria provided, single submitter. Criteria: Ambry Variant Classification Scheme 2023. Collection method: clinical testing. Allele origin: germline.

NM_004360.5(CDH1):c.907A>T (p.Thr303Ser)

Gene: CDH1 (cadherin 1; plus strand). Cytogenetic location: 16q22.1.
Variant type: single nucleotide variant.
Coding change: c.907A>T on transcript NM_004360.5 (MANE Select); coding-DNA position 907, A replaced by T.
Protein change: p.Thr303Ser; replaces threonine 303 with serine.
Molecular consequence: missense variant. On other transcripts: 5 prime UTR variant (2).
Genome position (GRCh38, 1-based): chr16:68,811,758, A>T. VCF-style: chr16-68811758-A-T. GRCh37 (hg19) VCF-style: chr16-68845661-A-T.
Other names: c.907A>T, p.Thr303Ser (NM_001317184.2); c.-709A>T (NM_001317185.2); c.-913A>T (NM_001317186.2); c.907A>T (LRG_301t1); short protein forms T303S.
Identifiers: ClinVar variation 233939 (VCV000233939.17), dbSNP rs876660744, ClinGen allele CA10580097.